The following is an entry in ClinVar:

NM_003159.3(CDKL5):c.2784G>A (p.Thr928=)

Genes: CDKL5 (cyclin dependent kinase like 5; plus strand), RS1 (retinoschisin 1; minus strand). Cytogenetic location: Xp22.13.
Variant type: single nucleotide variant.
Coding change: c.2784G>A on transcript NM_003159.3; coding-DNA position 2784, G replaced by A.
Protein change: p.Thr928=; no amino-acid change (threonine 928 retained).
Molecular consequence: synonymous variant. On other transcripts: intron variant (1).
Genome position (GRCh38, 1-based): chrX:18,646,077, G>A. VCF-style: chrX-18646077-G-A. GRCh37 (hg19) VCF-style: chrX-18664197-G-A.
Other names: c.2784G>A, p.Thr928= (NM_001037343.2); c.326+1114C>T (NM_000330.4).
Identifiers: ClinVar variation 516455 (VCV000516455.18), dbSNP rs369383134, ClinGen allele CA10360673.

ClinVar aggregate classification (germline): Likely benign. Review status: criteria provided, multiple submitters, no conflicts (2 of 4 stars). 4 submissions from 4 submitters: Likely benign (4). Last evaluated 2024-04-08.

Conditions:
Inborn genetic diseases. Identifiers: MedGen C0950123, MeSH D030342.
Angelman syndrome-like. Identifiers: MedGen CN128785.
Developmental and epileptic encephalopathy, 2 (DEE2). Also called: CDKL5 deficiency disorder; INFANTILE SPASM SYNDROME, X-LINKED 2. Identifiers: Orphanet 1934, Orphanet 3451, Orphanet 505652, MedGen C4750718, MONDO:0010396, OMIM 300672.

Allele frequency attached by ClinVar (database versions not stated): TOPMed 0.00004; ExAC 0.00005; gnomAD 0.00001; gnomAD exomes 0.00003 and 0.00006; ESP Exome Variant Server 0.00009.
gnomAD v4.1: 68 of 1,211,874 alleles (0.0056%); highest among the groups gnomAD compares: South Asian, 0.011%; no homozygotes.

Submissions (4):

Labcorp Genetics (formerly Invitae), Labcorp
Classification: Likely benign for Developmental and epileptic encephalopathy, 2; Angelman syndrome-like. Last evaluated: 2024-04-08. Review status: criteria provided, single submitter. Criteria: Invitae Variant Classification Sherloc (09022015). Collection method: clinical testing. Allele origin: germline.

Blueprint Genetics
Classification: Likely benign. Last evaluated: 2022-06-15. Review status: criteria provided, single submitter. Criteria: ACMG Guidelines, 2015. Collection method: clinical testing. Allele origin: germline.

GeneDx
Classification: Likely benign. Last evaluated: 2017-05-03. Review status: criteria provided, single submitter. Criteria: GeneDx Variant Classification (06012015). Collection method: clinical testing. Allele origin: germline. Affected: yes.
Comment: This variant is considered likely benign or benign based on one or more of the following criteria: it is a conservative change, it occurs at a poorly conserved position in the protein, it is predicted to be benign by multiple in silico algorithms, and/or has population frequency not consistent with disease.

Ambry Genetics
Classification: Likely benign for Inborn genetic diseases. Last evaluated: 2016-09-20. Review status: criteria provided, single submitter. Criteria: Ambry Variant Classification Scheme 2023. Collection method: clinical testing. Allele origin: germline.